The following is an entry in ClinVar:

NM_182914.3(SYNE2):c.11656C>G (p.Gln3886Glu)

Gene: SYNE2 (spectrin repeat containing nuclear envelope protein 2; plus strand). Cytogenetic location: 14q23.2.
Variant type: single nucleotide variant.
Coding change: c.11656C>G on transcript NM_182914.3 (MANE Select); coding-DNA position 11656, C replaced by G.
Protein change: p.Gln3886Glu; replaces glutamine 3886 with glutamic acid.
Molecular consequence: missense variant.
Genome position (GRCh38, 1-based): chr14:64,087,842, C>G. VCF-style: chr14-64087842-C-G. GRCh37 (hg19) VCF-style: chr14-64554560-C-G.
Other names: c.11656C>G, p.Gln3886Glu (NM_015180.6); short protein forms Q3886E.
Identifiers: ClinVar variation 573396 (VCV000573396.8), dbSNP rs1235280357, ClinGen allele CA389946468.
Genomic context (GRCh38, chr14:64,087,842, plus strand): 5'-GAGTTAAGTAATCAAGTAACAGCTTTACAACAAAAAATAATGGAAAGCCTTCCACAGATT[C>G]AGCGAATGGCTGATGTAAGTTTGCACCATTCATTTAATCATTCAGGATTAAATTAGAGGC-3'
Protein context (NP_878918.2, residues 3876-3896): QKIMESLPQI[Gln3886Glu]RMADDVVAIE

ClinVar aggregate classification (germline): Uncertain significance (1 of 4 stars; one submission).

Conditions:
Emery-Dreifuss muscular dystrophy 5, autosomal dominant (EDMD5). Also called: EMERY-DREIFUSS MUSCULAR DYSTROPHY 5. Identifiers: Orphanet 261, MedGen C2751805, MONDO:0013072, OMIM 612999.

Allele frequency attached by ClinVar (database versions not stated): gnomAD exomes 0.00001.
gnomAD v4.1: 2 of 1,614,002 alleles (0.00012%); highest among the groups gnomAD compares: Admixed American, 0.0033%; no homozygotes.

Submission:

Labcorp Genetics (formerly Invitae), Labcorp
Classification: Uncertain significance for Emery-Dreifuss muscular dystrophy 5, autosomal dominant. Last evaluated: 2022-02-09. Review status: criteria provided, single submitter. Criteria: Invitae Variant Classification Sherloc (09022015). Collection method: clinical testing. Allele origin: germline.
Comment: In summary, the available evidence is currently insufficient to determine the role of this variant in disease. Therefore, it has been classified as a Variant of Uncertain Significance. This sequence change replaces glutamine, which is neutral and polar, with glutamic acid, which is acidic and polar, at codon 3886 of the SYNE2 protein (p.Gln3886Glu). This variant is present in population databases (no rsID available, gnomAD 0.006%). This variant has not been reported in the literature in individuals affected with SYNE2-related conditions. ClinVar contains an entry for this variant (Variation ID: 573396). Algorithms developed to predict the effect of missense changes on protein structure and function are either unavailable or do not agree on the potential impact of this missense change (SIFT: "Tolerated"; PolyPhen-2: "Probably Damaging"; Align-GVGD: "Class C0").